The following is an entry in ClinVar:

ClinVar aggregate classification (germline): Uncertain significance. Review status: criteria provided, multiple submitters, no conflicts (2 of 4 stars). 3 submissions from 3 submitters: Uncertain significance (3). Last evaluated 2025-03-19.

Conditions:
Familial dysautonomia. Also called: HSAN III; FD. Identifiers: Orphanet 1764, MedGen C0013364, MONDO:0009131, OMIM 223900. Disease mechanism: loss of function.
Medulloblastoma (MDB). Also called: Medulloblastoma, somatic; MEDULLOBLASTOMA PREDISPOSITION SYNDROME. Identifiers: Orphanet 616, MedGen C0025149, MeSH D008527, MONDO:0007959, OMIM 155255, HP:0002885.

Allele frequency attached by ClinVar (database versions not stated): gnomAD exomes below 0.00001 and 0.00003; ExAC 0.00001; TOPMed 0.00001; ESP Exome Variant Server 0.00008.
gnomAD v4.1: 42 of 1,614,100 alleles (0.0026%); highest among the groups gnomAD compares: Non-Finnish European, 0.0035%; no homozygotes.

Submissions (3):

Labcorp Genetics (formerly Invitae), Labcorp
Classification: Uncertain significance. Last evaluated: 2025-03-19. Review status: criteria provided, single submitter. Criteria: Invitae Variant Classification Sherloc (09022015). Collection method: clinical testing. Allele origin: germline.
Comment: This sequence change replaces arginine, which is basic and polar, with cysteine, which is neutral and slightly polar, at codon 1197 of the ELP1 protein (p.Arg1197Cys). This variant is present in population databases (rs370450007, gnomAD 0.0009%). This variant has not been reported in the literature in individuals affected with ELP1-related conditions. ClinVar contains an entry for this variant (Variation ID: 1406375). Invitae Evidence Modeling of protein sequence and biophysical properties (such as structural, functional, and spatial information, amino acid conservation, physicochemical variation, residue mobility, and thermodynamic stability) indicates that this missense variant is expected to disrupt ELP1 protein function with a positive predictive value of 80%. In summary, the available evidence is currently insufficient to determine the role of this variant in disease. Therefore, it has been classified as a Variant of Uncertain Significance.

Ambry Genetics
Classification: Uncertain significance. Last evaluated: 2025-01-10. Review status: criteria provided, single submitter. Criteria: Ambry Variant Classification Scheme 2023. Collection method: clinical testing. Allele origin: germline.

Fulgent Genetics
Classification: Uncertain significance for Medulloblastoma; Familial dysautonomia. Last evaluated: 2024-06-17. Review status: criteria provided, single submitter. Criteria: ACMG Guidelines, 2015. Collection method: clinical testing. Allele origin: germline.

NM_003640.5(ELP1):c.3589C>T (p.Arg1197Cys)

Gene: ELP1 (elongator acetyltransferase complex subunit 1; minus strand). Cytogenetic location: 9q31.3.
Variant type: single nucleotide variant.
Coding change: c.3589C>T on transcript NM_003640.5 (MANE Select); coding-DNA position 3589, C replaced by T.
Protein change: p.Arg1197Cys; replaces arginine 1197 with cysteine.
Molecular consequence: missense variant.
Genome position (GRCh38, 1-based): chr9:108,878,734, G>A on the plus strand (C>T on the coding strand, the complement: ELP1 is on the minus strand). VCF-style: chr9-108878734-G-A. GRCh37 (hg19) VCF-style: chr9-111641014-G-A.
Other names: c.3589C>T (NM_003640.3); c.3247C>T, p.Arg1083Cys (NM_001318360.2); c.2542C>T, p.Arg848Cys (NM_001330749.2); short protein forms R848C, R1197C, R1083C.
Identifiers: ClinVar variation 1406375 (VCV001406375.8), dbSNP rs370450007, ClinGen allele CA5174238.
Genomic context (GRCh38, chr9:108,878,734, plus strand): 5'-CCAGGTCCTCCAGCGGACTGCCTTCTTTGAGGCTGTGCTTCTTCCGCTCCGCTTTTCGGC[G>A]ATTCTTGGATGATCTCCTGTTAGAAATTACACAGATATTTTTAAGCCTCCTGAGTAGCTA-3'
Protein context (NP_003631.2, residues 1187-1207): SRISARSSKN[Arg1197Cys]RKAERKKHSL